The following is an entry in ClinVar:

ClinVar aggregate classification (germline): Uncertain significance (1 of 4 stars; one submission).

gnomAD v4.1: 10 of 1,547,220 alleles (0.00065%); highest among the groups gnomAD compares: East Asian, 0.0024%; no homozygotes.

Submission:

Labcorp Genetics (formerly Invitae), Labcorp
Classification: Uncertain significance. Last evaluated: 2026-01-27. Review status: criteria provided, single submitter. Criteria: Invitae Variant Classification Sherloc (09022015). Collection method: clinical testing. Allele origin: germline.
Comment: This sequence change replaces threonine, which is neutral and polar, with methionine, which is neutral and non-polar, at codon 101 of the TCIRG1 protein (p.Thr101Met). The frequency data for this variant in the population databases is considered unreliable, as metrics indicate poor data quality at this position in the gnomAD database. This variant has not been reported in the literature in individuals affected with TCIRG1-related conditions. Invitae Evidence Modeling of protein sequence and biophysical properties (such as structural, functional, and spatial information, amino acid conservation, physicochemical variation, residue mobility, and thermodynamic stability) indicates that this missense variant is expected to disrupt TCIRG1 protein function with a positive predictive value of 80%. In summary, the available evidence is currently insufficient to determine the role of this variant in disease. Therefore, it has been classified as a Variant of Uncertain Significance.

NM_006019.4(TCIRG1):c.302C>T (p.Thr101Met)

Gene: TCIRG1 (T cell immune regulator 1, ATPase H+ transporting V0 subunit a3; plus strand). Cytogenetic location: 11q13.2.
Variant type: single nucleotide variant.
Coding change: c.302C>T on transcript NM_006019.4 (MANE Select); coding-DNA position 302, C replaced by T.
Protein change: p.Thr101Met; replaces threonine 101 with methionine.
Molecular consequence: missense variant. On other transcripts: 5 prime UTR variant (1), intron variant (1).
Genome position (GRCh38, 1-based): chr11:68,042,748, C>T. VCF-style: chr11-68042748-C-T. GRCh37 (hg19) VCF-style: chr11-67810215-C-T.
Other names: c.-948C>T (NM_001351059.2); c.302C>T, p.Thr101Met (NM_001440552.1, NM_001440553.1, NM_001440554.1 and 9 more transcripts); c.260C>T, p.Thr87Met (NM_001440555.1, NM_001440556.1, NM_001440563.1 and 2 more transcripts); c.118-198C>T (NM_001440565.1); short protein forms T87M, T101M.
Identifiers: ClinVar variation 4736747 (VCV004736747.1).
Genomic context (GRCh38, chr11:68,042,748, plus strand): 5'-CGCCAAAGGGGAGGCTGCCGGCACCCCCACCCCGGGACCTGCTGCGCATCCAGGAGGAGA[C>T]GGAGCGCCTGGCCCAGGAGCTGCGGGATGTGCGGGGCAACCAGCAGGCCCTGCGGGCCCA-3'
Protein context (NP_006010.2, residues 91-111): PRDLLRIQEE[Thr101Met]ERLAQELRDV